The following is an entry in ClinVar:

NM_001287.6(CLCN7):c.799A>C (p.Thr267Pro)

Gene: CLCN7 (Cl-/H+ antiporter 7; minus strand). Cytogenetic location: 16p13.3.
Variant type: single nucleotide variant.
Coding change: c.799A>C on transcript NM_001287.6 (MANE Select); coding-DNA position 799, A replaced by C.
Protein change: p.Thr267Pro; replaces threonine 267 with proline.
Molecular consequence: missense variant.
Genome position (GRCh38, 1-based): chr16:1,457,277, T>G on the plus strand (A>C on the coding strand, the complement: CLCN7 is on the minus strand). VCF-style: chr16-1457277-T-G. GRCh37 (hg19) VCF-style: chr16-1507278-T-G.
Other names: c.727A>C, p.Thr243Pro (NM_001114331.3); short protein forms T243P, T267P.
Identifiers: ClinVar variation 2695613 (VCV002695613.3), dbSNP rs755655596, ClinGen allele CA394191022.
Genomic context (GRCh38, chr16:1,457,277, plus strand): 5'-GGCATCTGGAGCCCACCCACACAAGATTTCAACTCACCTTGAAATCTCGTTTCAGTGACG[T>G]TGACCTTCCCTGAGAGATCCCGGCGGCAATCACTGAACCTGAGTGGATCATCGGCCCTTC-3'
Protein context (NP_001278.1, residues 257-277): IAAGISQGRS[Thr267Pro]SLKRDFKIFE

ClinVar aggregate classification (germline): Uncertain significance (1 of 4 stars; one submission).

gnomAD v4.1: 2 of 1,614,070 alleles (0.00012%); highest among the groups gnomAD compares: Non-Finnish European, 0.00017%; no homozygotes.

Submission:

Labcorp Genetics (formerly Invitae), Labcorp
Classification: Uncertain significance. Last evaluated: 2025-08-18. Review status: criteria provided, single submitter. Criteria: Invitae Variant Classification Sherloc (09022015). Collection method: clinical testing. Allele origin: germline.
Comment: This sequence change replaces threonine, which is neutral and polar, with proline, which is neutral and non-polar, at codon 267 of the CLCN7 protein (p.Thr267Pro). This variant is not present in population databases (gnomAD no frequency). This variant has not been reported in the literature in individuals affected with CLCN7-related conditions. ClinVar contains an entry for this variant (Variation ID: 2695613). Invitae Evidence Modeling of protein sequence and biophysical properties (such as structural, functional, and spatial information, amino acid conservation, physicochemical variation, residue mobility, and thermodynamic stability) indicates that this missense variant is not expected to disrupt CLCN7 protein function with a negative predictive value of 95%. In summary, the available evidence is currently insufficient to determine the role of this variant in disease. Therefore, it has been classified as a Variant of Uncertain Significance.